The following is an entry in ClinVar:

NM_007294.4(BRCA1):c.4088C>T (p.Ser1363Leu)

Genes: BRCA1 (BRCA1 DNA repair associated; minus strand), LOC126862571 (BRD4-independent group 4 enhancer GRCh37_chr17:41243136-41244335; plus strand). Cytogenetic location: 17q21.31.
Variant type: single nucleotide variant.
Coding change: c.4088C>T on transcript NM_007294.4 (MANE Select); coding-DNA position 4088, C replaced by T.
Protein change: p.Ser1363Leu; replaces serine 1363 with leucine.
Molecular consequence: missense variant. On other transcripts: intron variant (135).
Genome position (GRCh38, 1-based): chr17:43,091,443, G>A on the plus strand (C>T on the coding strand, the complement: BRCA1 is on the minus strand). VCF-style: chr17-43091443-G-A. GRCh37 (hg19) VCF-style: chr17-41243460-G-A.
Other names: 4207C>T; c.3875C>T, p.Ser1292Leu (NM_001407571.1, NM_001407853.1, NM_001407894.1 and 9 more transcripts); c.4088C>T, p.Ser1363Leu (NM_001407581.1, NM_001407582.1, NM_001407583.1 and 30 more transcripts); c.4085C>T, p.Ser1362Leu (NM_001407587.1, NM_001407590.1, NM_001407591.1 and 22 more transcripts); c.4079C>T, p.Ser1360Leu (NM_001407646.1, NM_001407647.1); c.3965C>T, p.Ser1322Leu (NM_001407648.1, NM_001407664.1, NM_001407665.1 and 19 more transcripts); c.3962C>T, p.Ser1321Leu (NM_001407649.1, NM_001407670.1, NM_001407671.1 and 11 more transcripts); c.4010C>T, p.Ser1337Leu (NM_001407653.1, NM_001407654.1, NM_001407655.1 and 4 more transcripts); and 42 more; short protein forms S1363L, S1316L, S1292L, S1295L, S1252L, S1274L, S1275L, S1315L.
Identifiers: ClinVar variation 91622 (VCV000091622.26), dbSNP rs398122680, ClinGen allele CA002612.

ClinVar aggregate classification (germline): Conflicting classifications of pathogenicity. Review status: criteria provided, conflicting classifications (1 of 4 stars). 7 submissions from 7 submitters: Uncertain significance (4); Likely benign (1). 2 of the submissions do not count toward it. Last evaluated 2026-02-03.

Conditions:
Hereditary cancer-predisposing syndrome. Also called: Hereditary Cancer Syndrome; Hereditary neoplastic syndrome; Neoplastic Syndromes, Hereditary; Tumor predisposition. Identifiers: Orphanet 140162, MedGen C0027672, MeSH D009386, MONDO:0015356.
Hereditary breast ovarian cancer syndrome. Also called: BRCA1- and BRCA2-Associated Hereditary Breast and Ovarian Cancer; Hereditary breast and ovarian cancer syndrome; Hereditary breast and ovarian cancer syndrome (HBOC); Breast and ovarian cancer; Hereditary breast and/or ovarian cancer syndrome; Hereditary breast and ovarian cancer. Identifiers: Orphanet 145, MedGen C0677776, MeSH D061325, MONDO:0003582. Disease mechanism: loss of function.
Breast-ovarian cancer, familial, susceptibility to, 1 (BROVCA1). Also called: BRCA1 Hereditary Breast and Ovarian Cancer; OVARIAN CANCER, SUSCEPTIBILITY TO. Identifiers: Orphanet 145, MedGen C2676676, MONDO:0011450, OMIM 604370. Disease mechanism: loss of function.

gnomAD v4.1: 23 of 1,613,886 alleles (0.0014%); highest among the groups gnomAD compares: Non-Finnish European, 0.0019%; no homozygotes.

Submissions (7):

Labcorp Genetics (formerly Invitae), Labcorp
Classification: Uncertain significance for Hereditary breast ovarian cancer syndrome. Last evaluated: 2026-02-03. Review status: criteria provided, single submitter. Criteria: Invitae Variant Classification Sherloc (09022015). Collection method: clinical testing. Allele origin: germline.
Comment: This sequence change replaces serine, which is neutral and polar, with leucine, which is neutral and non-polar, at codon 1363 of the BRCA1 protein (p.Ser1363Leu). This variant is present in population databases (rs398122680, gnomAD 0.0009%). This variant has not been reported in the literature in individuals affected with BRCA1-related conditions. ClinVar contains an entry for this variant (Variation ID: 91622). Invitae Evidence Modeling of protein sequence and biophysical properties (such as structural, functional, and spatial information, amino acid conservation, physicochemical variation, residue mobility, and thermodynamic stability) indicates that this missense variant is expected to disrupt BRCA1 protein function with a positive predictive value of 80%. In summary, the available evidence is currently insufficient to determine the role of this variant in disease. Therefore, it has been classified as a Variant of Uncertain Significance.

Color Diagnostics, LLC DBA Color Health
Classification: Uncertain significance for Hereditary cancer-predisposing syndrome. Last evaluated: 2025-07-29. Review status: criteria provided, single submitter. Criteria: ACMG Guidelines, 2015. Collection method: clinical testing. Allele origin: germline.
Comment: This missense variant replaces serine with leucine at codon 1363 of the BRCA1 protein. Computational prediction suggests that this variant may not impact protein structure and function. To our knowledge, functional studies have not been reported for this variant.This variant has been detected in a breast cancer case-control meta-analysis in 0/60466 cases and 1/53461 unaffected individuals (PMID: 33471991Leiden Open Variation Database DB-ID BRCA1_006281). A multifactorial analysis has reached a combined likelihood ratio (LR) of 0.724 based on reported LR for co-occurrence with a pathogenic variant and family history (PMID: 31131967). This variant has been identified in 1/250858 chromosomes in the general population by the Genome Aggregation Database (gnomAD). The available evidence is insufficient to determine the role of this variant in disease conclusively. Therefore, this variant is classified as a Variant of Uncertain Significance.

Ambry Genetics
Classification: Uncertain significance for Hereditary cancer-predisposing syndrome. Last evaluated: 2024-05-15. Review status: criteria provided, single submitter. Criteria: Ambry Variant Classification Scheme 2023. Collection method: clinical testing. Allele origin: germline.
Comment: The p.S1363L variant (also known as c.4088C>T), located in coding exon 9 of the BRCA1 gene, results from a C to T substitution at nucleotide position 4088. The serine at codon 1363 is replaced by leucine, an amino acid with dissimilar properties. This amino acid position is not well conserved in available vertebrate species. In addition, the in silico prediction for this alteration is inconclusive. Since supporting evidence is limited at this time, the clinical significance of this alteration remains unclear.

All of Us Research Program, National Institutes of Health
Classification: Uncertain significance for Breast-ovarian cancer, familial, susceptibility to, 1. Last evaluated: 2023-08-15. Review status: criteria provided, single submitter. Criteria: ACMG Guidelines, 2015. Collection method: clinical testing. Allele origin: germline. Inheritance: Autosomal dominant inheritance. Observed: 2 variant alleles, 2 heterozygotes.
Comment: This study involves interpretation of variants in research participants for the purpose of population health screening. Participant phenotype was not available at the time of variant classification. Additional details can be found in publication PMID: 35346344, PMCID: PMC8962531

University of Washington Department of Laboratory Medicine, University of Washington
Classification: Likely benign for Hereditary cancer-predisposing syndrome. Last evaluated: 2023-03-23. Review status: criteria provided, single submitter. Criteria: Dines et al. (Genet Med. 2020). Collection method: curation. Allele origin: germline.
Comment: Missense variant in a coldspot region where missense variants are very unlikely to be pathogenic (PMID:31911673).

BRCA1 coldspot (exon 11 using historical exon numbering). Reclassification based on statistical prior probability

Sharing Clinical Reports Project (SCRP)
Classification: Uncertain significance for Breast-ovarian cancer, familial 1. Last evaluated: 2010-05-17. Review status: no assertion criteria provided. Collection method: clinical testing. Allele origin: germline. Not counted in ClinVar's aggregate classification.

Department of Pathology and Laboratory Medicine, Sinai Health System
Classification: Uncertain significance. Review status: no assertion criteria provided. Collection method: clinical testing. Allele origin: unknown. Affected: yes. Study: The Canadian Open Genetics Repository (COGR). Not counted in ClinVar's aggregate classification.
Comment: The BRCA1 p.Ser1363Leu variant was not identified in the literature but was identified in the ClinVar database, where it was classified as having uncertain significance by the Sharing Clinical Reports Project (derived from Myriad reports). The variant was not identified in any other databases searched, including dbSNP, NHLBI Exome Sequencing Project (Exome Variant Server), HGMD, LOVD, COSMIC, UMD, and the BIC database. The p.Ser1363 residue is conserved across mammals but not across lower organisms and four out of five computational analyses (PolyPhen-2, SIFT, AlignGVGD, BLOSUM, MutationTaster) do not suggest a high likelihood of impact to the protein; however, this information is not predictive enough to rule out pathogenicity. The variant occurs outside of the splicing consensus sequence and in silico or computational prediction software programs (SpliceSiteFinder, MaxEntScan, NNSPLICE, GeneSplicer, HumanSpliceFinder) do not predict a difference in splicing. In summary, based on the above information, the clinical significance of this variant cannot be determined with certainty at this time. This variant is classified as a variant of unknown significance.

Literature cited by the submitters: PubMed 31131967 (cited by Color Diagnostics, LLC DBA Color Health); PubMed 33471991 (cited by Color Diagnostics, LLC DBA Color Health).